The following is an entry in ClinVar:

ClinVar aggregate classification (germline): Benign/Likely benign. Review status: criteria provided, multiple submitters, no conflicts (2 of 4 stars). 5 submissions from 5 submitters: Benign (4); Likely benign (1). Last evaluated 2026-04-08.

Conditions:
Ullrich congenital muscular dystrophy 2 (UCMD2). Identifiers: Orphanet 75840, MedGen C4225314, MONDO:0014654, OMIM 616470.
Bethlem myopathy 2 (BTHLM2). Identifiers: Orphanet 536516, Orphanet 610, MedGen C4225313, MONDO:0034022, OMIM 616471.

Allele frequency attached by ClinVar (database versions not stated): gnomAD exomes 0.00034 and 0.00092; ExAC 0.00118; ESP Exome Variant Server 0.00375; gnomAD 0.00389 and 0.00419; 1000 Genomes Project 0.00419; TOPMed 0.00420; 1000 Genomes Project 30x 0.00468.
gnomAD v4.1: 1,106 of 1,614,140 alleles (0.069%); highest among the groups gnomAD compares: African/African-American, 1.4%; 13 homozygotes.

Submissions (5):

Women's Health and Genetics/Laboratory Corporation of America, LabCorp
Classification: Benign. Last evaluated: 2026-04-08. Review status: criteria provided, single submitter. Criteria: LabCorp Variant Classification Summary - May 2015. Collection method: clinical testing. Allele origin: germline.
Comment: Variant summary: COL12A1 c.4876T>G (p.Ser1626Ala) results in a conservative amino acid change located in the Fibronectin type III repeat region (IPR003961) of the encoded protein sequence. Algorithms developed to predict the effect of missense changes on protein structure and function are either unavailable or do not agree on the potential impact of this missense change. The variant allele was found at a frequency of 0.00092 in 249406 control chromosomes, predominantly at a frequency of 0.014 within the African or African-American subpopulation in the gnomAD database, including 4 homozygotes. The observed variant frequency within African or African-American control individuals in the gnomAD database exceeds the estimated maximal expected allele frequency for disease-causing variants in COL12A1. To our knowledge, no occurrence of c.4876T>G in individuals affected with COL12A1-related conditions and no experimental evidence demonstrating its impact on protein function have been reported. ClinVar contains an entry for this variant (Variation ID: 542499). Based on the evidence outlined above, the variant was classified as benign.

CeGaT Center for Human Genetics Tuebingen
Classification: Benign. Last evaluated: 2026-02-01. Review status: criteria provided, single submitter. Criteria: CeGaT Center For Human Genetics Tuebingen Variant Classification Criteria Version 2. Collection method: clinical testing. Allele origin: germline. Affected: yes. Observed: 1 variant allele.
Comment: COL12A1: BP4, BS1, BS2

Labcorp Genetics (formerly Invitae), Labcorp
Classification: Benign for Bethlem myopathy 2; Ullrich congenital muscular dystrophy 2. Last evaluated: 2026-01-25. Review status: criteria provided, single submitter. Criteria: Invitae Variant Classification Sherloc (09022015). Collection method: clinical testing. Allele origin: germline.

GeneDx
Classification: Likely benign. Last evaluated: 2020-05-15. Review status: criteria provided, single submitter. Criteria: GeneDx Variant Classification Process June 2021. Collection method: clinical testing. Allele origin: germline. Affected: yes.

Mayo Clinic Laboratories, Mayo Clinic
Classification: Benign. Last evaluated: 2019-06-25. Review status: criteria provided, single submitter. Criteria: ACMG Guidelines, 2015. Collection method: clinical testing. Allele origin: germline. Observed: 2 variant alleles.

NM_004370.6(COL12A1):c.4876T>G (p.Ser1626Ala)

Gene: COL12A1 (collagen type XII alpha 1 chain; minus strand). Cytogenetic location: 6q13.
Variant type: single nucleotide variant.
Coding change: c.4876T>G on transcript NM_004370.6 (MANE Select); coding-DNA position 4876, T replaced by G.
Protein change: p.Ser1626Ala; replaces serine 1626 with alanine.
Molecular consequence: missense variant.
Genome position (GRCh38, 1-based): chr6:75,142,113, A>C on the plus strand (T>G on the coding strand, the complement: COL12A1 is on the minus strand). VCF-style: chr6-75142113-A-C. GRCh37 (hg19) VCF-style: chr6-75851829-A-C.
Other names: p.Ser1626Ala; c.1384T>G, p.Ser462Ala (NM_080645.3); short protein forms S1626A, S462A.
Identifiers: ClinVar variation 542499 (VCV000542499.20), dbSNP rs77654847, ClinGen allele CA3893321.